The following is an entry in ClinVar:

NM_001013838.3(CARMIL2):c.790C>T (p.Arg264Ter)

Gene: CARMIL2 (capping protein regulator and myosin 1 linker 2; plus strand). Cytogenetic location: 16q22.1.
Variant type: single nucleotide variant.
Coding change: c.790C>T on transcript NM_001013838.3 (MANE Select); coding-DNA position 790, C replaced by T.
Protein change: p.Arg264Ter; replaces arginine 264 with a stop codon.
Molecular consequence: nonsense.
Genome position (GRCh38, 1-based): chr16:67,647,521, C>T. VCF-style: chr16-67647521-C-T. GRCh37 (hg19) VCF-style: chr16-67681424-C-T.
Other names: c.790C>T, p.Arg264Ter (NM_001317026.3); short protein forms R264*.
Identifiers: ClinVar variation 3674057 (VCV003674057.2).

ClinVar aggregate classification (germline): Pathogenic (1 of 4 stars; one submission).

Submission:

Labcorp Genetics (formerly Invitae), Labcorp
Classification: Pathogenic. Last evaluated: 2024-07-20. Review status: criteria provided, single submitter. Criteria: Invitae Variant Classification Sherloc (09022015). Collection method: clinical testing. Allele origin: germline.
Comment: This sequence change creates a premature translational stop signal (p.Arg264*) in the CARMIL2 gene. It is expected to result in an absent or disrupted protein product. Loss-of-function variants in CARMIL2 are known to be pathogenic (PMID: 27647349, 28112205). This variant is not present in population databases (gnomAD no frequency). This premature translational stop signal has been observed in individual(s) with clinical features of combined immunodeficiency (PMID: 36515678). For these reasons, this variant has been classified as Pathogenic.

Literature cited by the submitters: PubMed 27647349; PubMed 28112205; PubMed 36515678.